The following is an entry in ClinVar:

ClinVar aggregate classification (germline): Uncertain significance. Review status: criteria provided, multiple submitters, no conflicts (2 of 4 stars). 2 submissions from 2 submitters: Uncertain significance (2). Last evaluated 2025-07-15.

Conditions:
Early Myoclonic Encephalopathy. Identifiers: MedGen C0270855.

Allele frequency attached by ClinVar (database versions not stated): ExAC 0.00001; gnomAD exomes below 0.00001.
gnomAD v4.1: 3 of 1,614,152 alleles (0.00019%); highest among the groups gnomAD compares: Non-Finnish European, 0.00017%; no homozygotes.

Submissions (2):

Ambry Genetics
Classification: Uncertain significance. Last evaluated: 2025-07-15. Review status: criteria provided, single submitter. Criteria: Ambry Variant Classification Scheme 2023. Collection method: clinical testing. Allele origin: germline.

Labcorp Genetics (formerly Invitae), Labcorp
Classification: Uncertain significance for Early Myoclonic Encephalopathy. Last evaluated: 2022-05-18. Review status: criteria provided, single submitter. Criteria: Invitae Variant Classification Sherloc (09022015). Collection method: clinical testing. Allele origin: germline.
Comment: This sequence change replaces threonine, which is neutral and polar, with lysine, which is basic and polar, at codon 1526 of the JMJD1C protein (p.Thr1526Lys). In summary, the available evidence is currently insufficient to determine the role of this variant in disease. Therefore, it has been classified as a Variant of Uncertain Significance. Algorithms developed to predict the effect of missense changes on protein structure and function are either unavailable or do not agree on the potential impact of this missense change (SIFT: "Deleterious"; PolyPhen-2: "Benign"; Align-GVGD: "Class C0"). This variant has not been reported in the literature in individuals affected with JMJD1C-related conditions. This variant is present in population databases (rs747562302, gnomAD 0.002%).

NM_032776.3(JMJD1C):c.4577C>A (p.Thr1526Lys)

Gene: JMJD1C (jumonji domain containing 1C; minus strand). Cytogenetic location: 10q21.3.
Variant type: single nucleotide variant.
Coding change: c.4577C>A on transcript NM_032776.3 (MANE Select); coding-DNA position 4577, C replaced by A.
Protein change: p.Thr1526Lys; replaces threonine 1526 with lysine.
Molecular consequence: missense variant. On other transcripts: non-coding transcript variant (1).
Genome position (GRCh38, 1-based): chr10:63,207,092, G>T on the plus strand (C>A on the coding strand, the complement: JMJD1C is on the minus strand). VCF-style: chr10-63207092-G-T. GRCh37 (hg19) VCF-style: chr10-64966852-G-T.
Other names: c.4577C>A (NM_032776.1); c.4031C>A, p.Thr1344Lys (NM_001282948.2, NM_001318154.2); c.3713C>A, p.Thr1238Lys (NM_001318153.2); c.4463C>A, p.Thr1488Lys (NM_001322252.2); c.3920C>A, p.Thr1307Lys (NM_001322254.2, NM_001322258.2); short protein forms T1307K, T1488K, T1344K, T1526K, T1238K.
Identifiers: ClinVar variation 2049272 (VCV002049272.5), dbSNP rs747562302, ClinGen allele CA5518243.